The following is an entry in ClinVar:

ClinVar aggregate classification (germline): Uncertain significance. Review status: criteria provided, multiple submitters, no conflicts (2 of 4 stars). 7 submissions from 7 submitters: Uncertain significance (6). 1 of the submissions does not count toward it. Last evaluated 2024-04-10.

Conditions:
Cardiovascular phenotype. Identifiers: MedGen CN230736.
ABCG5-related disorder. Also called: ABCG5-related condition.
Sitosterolemia 2. Identifiers: MedGen C5231453, MONDO:0020748, OMIM 618666.
Sitosterolemia (STSL). Also called: PHYTOSTEROLEMIA. Identifiers: Orphanet 2882, MedGen C0342907, MONDO:0008863.

Allele frequency attached by ClinVar (database versions not stated): ExAC 0.00016; gnomAD 0.00010 and 0.00009; ESP Exome Variant Server 0.00008; gnomAD exomes 0.00014 and 0.00030; TOPMed 0.00015.
gnomAD v4.1: 219 of 1,608,272 alleles (0.014%); highest among the groups gnomAD compares: Admixed American, 0.13%; 1 homozygote.

Submissions (7):

Revvity Omics, Revvity
Classification: Uncertain significance for Sitosterolemia 2. Last evaluated: 2024-04-10. Review status: criteria provided, single submitter. Criteria: ACMG Guidelines, 2015. Collection method: clinical testing. Allele origin: germline.

Labcorp Genetics (formerly Invitae), Labcorp
Classification: Uncertain significance for Sitosterolemia. Last evaluated: 2023-11-21. Review status: criteria provided, single submitter. Criteria: Invitae Variant Classification Sherloc (09022015). Collection method: clinical testing. Allele origin: germline.
Comment: This sequence change replaces asparagine, which is neutral and polar, with serine, which is neutral and polar, at codon 578 of the ABCG5 protein (p.Asn578Ser). This variant is present in population databases (rs146534033, gnomAD 0.2%). This missense change has been observed in individual(s) with hypercholesterolemia (PMID: 29066094). ClinVar contains an entry for this variant (Variation ID: 500473). An algorithm developed to predict the effect of missense changes on protein structure and function (PolyPhen-2) suggests that this variant is likely to be disruptive. In summary, the available evidence is currently insufficient to determine the role of this variant in disease. Therefore, it has been classified as a Variant of Uncertain Significance.

Ambry Genetics
Classification: Uncertain significance for Cardiovascular phenotype. Last evaluated: 2021-02-19. Review status: criteria provided, single submitter. Criteria: Ambry Variant Classification Scheme 2023. Collection method: clinical testing. Allele origin: germline.
Comment: The p.N578S variant (also known as c.1733A>G), located in coding exon 12 of the ABCG5 gene, results from an A to G substitution at nucleotide position 1733. The asparagine at codon 578 is replaced by serine, an amino acid with highly similar properties. This variant was detected in two individuals from a Spanish hypercholesterolemia cohort (Lamiquiz-Moneo I et al. J Clin Lipidol Oct;11:1432-1440.e4). This amino acid position is well conserved in available vertebrate species. In addition, this alteration is predicted to be tolerated by in silico analysis. Since supporting evidence is limited at this time, the clinical significance of this alteration remains unclear.

Fulgent Genetics
Classification: Uncertain significance for Sitosterolemia 1. Last evaluated: 2018-10-31. Review status: criteria provided, single submitter. Criteria: ACMG Guidelines, 2015. Collection method: clinical testing. Allele origin: unknown.

Eurofins Ntd Llc (ga)
Classification: Uncertain significance. Last evaluated: 2018-05-22. Review status: criteria provided, single submitter. Criteria: EGL ClinVar v180209 classification definitions. Collection method: clinical testing. Allele origin: germline. Observed: 4 variant alleles, 4 heterozygotes.

Breakthrough Genomics
Classification: Uncertain significance. Review status: criteria provided, single submitter. Criteria: ACMG Guidelines, 2015. Collection method: not provided. Allele origin: germline. Inheritance: Autosomal recessive inheritance. Affected: yes.

PreventionGenetics, part of Exact Sciences
Classification: Uncertain significance for ABCG5-related condition. Last evaluated: 2024-08-07. Review status: no assertion criteria provided. Collection method: clinical testing. Allele origin: germline. Not counted in ClinVar's aggregate classification.
Comment: The ABCG5 c.1733A>G variant is predicted to result in the amino acid substitution p.Asn578Ser. This variant has been reported in a one individual with hypercholesterolemia (Table 3, Lamiquiz-Moneo et al. 2017. PubMed ID: 29066094). This variant is reported in 0.18% of alleles in individuals of Latino descent in gnomAD, which may be too common to be a primary cause of disease. While we suspect this variant may be benign, at this time, the clinical significance of this variant is uncertain due to the absence of conclusive functional and genetic evidence.

Literature cited by the submitters: PubMed 29066094 (cited by Labcorp Genetics (formerly Invitae), Labcorp and Ambry Genetics); PubMed 31795497 (cited by Ambry Genetics).

NM_022436.3(ABCG5):c.1733A>G (p.Asn578Ser)

Genes: DYNC2LI1 (dynein cytoplasmic 2 light intermediate chain 1; plus strand), ABCG5 (ATP binding cassette subfamily G member 5; minus strand). Cytogenetic location: 2p21.
Variant type: single nucleotide variant.
Coding change: c.1733A>G on transcript NM_022436.3 (MANE Select); coding-DNA position 1733, A replaced by G.
Protein change: p.Asn578Ser; replaces asparagine 578 with serine.
Molecular consequence: missense variant. On other transcripts: intron variant (2).
Genome position (GRCh38, 1-based): chr2:43,814,506, T>C on the plus strand (A>G on the coding strand, the complement: ABCG5 is on the minus strand). VCF-style: chr2-43814506-T-C. GRCh37 (hg19) VCF-style: chr2-44041645-T-C.
Other names: c.*15+3982T>C (NM_001348913.2, NM_001348912.2); short protein forms N578S.
Identifiers: ClinVar variation 500473 (VCV000500473.18), dbSNP rs146534033, ClinGen allele CA1636184.